The following is an entry in ClinVar:

NM_000245.4(MET):c.2512A>G (p.Asn838Asp)

Gene: MET (MET proto-oncogene, receptor tyrosine kinase; plus strand). Cytogenetic location: 7q31.2.
Variant type: single nucleotide variant.
Coding change: c.2512A>G on transcript NM_000245.4 (MANE Select); coding-DNA position 2512, A replaced by G.
Protein change: p.Asn838Asp; replaces asparagine 838 with aspartic acid.
Molecular consequence: missense variant.
Genome position (GRCh38, 1-based): chr7:116,763,197, A>G. VCF-style: chr7-116763197-A-G. GRCh37 (hg19) VCF-style: chr7-116403251-A-G.
Other names: c.2566A>G, p.Asn856Asp (NM_001127500.3); c.2512A>G, p.Asn838Asp (NM_001324401.3); c.1222A>G, p.Asn408Asp (NM_001324402.2); short protein forms N408D, N838D, N856D.
Identifiers: ClinVar variation 4807514 (VCV004807514.1).

ClinVar aggregate classification (germline): Uncertain significance (1 of 4 stars; one submission).

Conditions:
Renal cell carcinoma. Identifiers: Orphanet 217071, MedGen C0007134, MeSH D002292, MONDO:0005086, HP:0005584.

gnomAD v4.1: 1 of 1,614,060 alleles (0.000062%); highest among the groups gnomAD compares: Non-Finnish European, 0.000085%; no homozygotes.

Submission:

Labcorp Genetics (formerly Invitae), Labcorp
Classification: Uncertain significance for Renal cell carcinoma. Last evaluated: 2025-04-27. Review status: criteria provided, single submitter. Criteria: Invitae Variant Classification Sherloc (09022015). Collection method: clinical testing. Allele origin: germline.
Comment: This sequence change replaces asparagine, which is neutral and polar, with aspartic acid, which is acidic and polar, at codon 856 of the MET protein (p.Asn856Asp). This variant is not present in population databases (gnomAD no frequency). This variant has not been reported in the literature in individuals affected with MET-related conditions. An algorithm developed to predict the effect of missense changes on protein structure and function outputs the following: PolyPhen-2: "Benign". The aspartic acid amino acid residue is found in multiple mammalian species, which suggests that this missense change does not adversely affect protein function. In summary, the available evidence is currently insufficient to determine the role of this variant in disease. Therefore, it has been classified as a Variant of Uncertain Significance.